The following is an entry in ClinVar:

ClinVar aggregate classification (germline): Likely benign. Review status: criteria provided, single submitter (1 of 4 stars). 2 submissions from 1 submitter: Likely benign (2). Last evaluated 2018-01-13.

Conditions:
Warburg micro syndrome 2 (WARBM2). Also called: MICRO SYNDROME 2. Identifiers: Orphanet 2510, MedGen C3280214, MONDO:0013641, OMIM 614225.
Martsolf syndrome (MARTS). Also called: Congenital cataract with intellectual disability and hypogonadotropic hypogonadism syndrome. Identifiers: Orphanet 1387, MedGen C0796037, MONDO:0023910.

Allele frequency attached by ClinVar (database versions not stated): gnomAD 0.00337 and 0.00355; TOPMed 0.00375; 1000 Genomes Project 0.00379; 1000 Genomes Project 30x 0.00437.
gnomAD v4.1: 507 of 152,348 alleles (0.33%); highest among the groups gnomAD compares: African/African-American, 1.1%; 2 homozygotes.

Submissions (2):

Illumina Laboratory Services, Illumina
Classification: Likely benign for Warburg micro syndrome 2. Last evaluated: 2018-01-13. Review status: criteria provided, single submitter. Criteria: ICSL Variant Classification Criteria 13 December 2019. Collection method: clinical testing. Allele origin: germline.
Comment: This variant was observed in the ICSL laboratory as part of a predisposition screen in an ostensibly healthy population. It had not been previously curated by ICSL or reported in the Human Gene Mutation Database (HGMD: prior to June 1st, 2018), and was therefore a candidate for classification through an automated scoring system. Utilizing variant allele frequency, disease prevalence and penetrance estimates, and inheritance mode, an automated score was calculated to assess if this variant is too frequent to cause the disease. Based on the score and internal cut-off values, a variant classified as likely benign is not then subjected to further curation. The score for this variant resulted in a classification of likely benign for this disease.

Illumina Laboratory Services, Illumina
Classification: Likely benign for Martsolf syndrome 1. Last evaluated: 2018-01-13. Review status: criteria provided, single submitter. Criteria: ICSL Variant Classification Criteria 13 December 2019. Collection method: clinical testing. Allele origin: germline.
Comment: the same text as in the submission from Illumina Laboratory Services, Illumina above.

NM_012414.4(RAB3GAP2):c.*1404T>C

Gene: RAB3GAP2 (RAB3 GTPase activating non-catalytic protein subunit 2; minus strand). Cytogenetic location: 1q41.
Variant type: single nucleotide variant.
Coding change: c.*1404T>C on transcript NM_012414.4 (MANE Select); 1404 bases downstream of the stop codon, T replaced by C.
Molecular consequence: 3 prime UTR variant.
Genome position (GRCh38, 1-based): chr1:220,149,847, A>G on the plus strand (T>C on the coding strand, the complement: RAB3GAP2 is on the minus strand). VCF-style: chr1-220149847-A-G. GRCh37 (hg19) VCF-style: chr1-220323189-A-G.
Identifiers: ClinVar variation 876911 (VCV000876911.4), dbSNP rs188666578, ClinGen allele CA37536591.